The following is an entry in ClinVar:

NM_001353345.2(SETD1B):c.1647C>G (p.Asn549Lys)

Gene: SETD1B (SET domain containing 1B, histone lysine methyltransferase; plus strand). Cytogenetic location: 12q24.31.
Variant type: single nucleotide variant.
Coding change: c.1647C>G on transcript NM_001353345.2 (MANE Select); coding-DNA position 1647, C replaced by G.
Protein change: p.Asn549Lys; replaces asparagine 549 with lysine.
Molecular consequence: missense variant.
Genome position (GRCh38, 1-based): chr12:121,810,592, C>G. VCF-style: chr12-121810592-C-G. GRCh37 (hg19) VCF-style: chr12-122248498-C-G.
Other names: short protein forms N549K.
Identifiers: ClinVar variation 3381344 (VCV003381344.1).

ClinVar aggregate classification (germline): Uncertain significance (1 of 4 stars; one submission).

Submission:

GeneDx
Classification: Uncertain significance. Last evaluated: 2024-05-24. Review status: criteria provided, single submitter. Criteria: GeneDx Variant Classification Process June 2021. Collection method: clinical testing. Allele origin: germline. Affected: yes.
Comment: Not observed at significant frequency in large population cohorts (gnomAD); In silico analysis supports that this missense variant has a deleterious effect on protein structure/function; Has not been previously published as pathogenic or benign to our knowledge